The following is an entry in ClinVar:

NM_000051.4(ATM):c.662+3A>C

Gene: ATM (ATM serine/threonine kinase; plus strand). Cytogenetic location: 11q22.3.
Variant type: single nucleotide variant.
Coding change: c.662+3A>C on transcript NM_000051.4 (MANE Select); 3 bases into the intron after coding-DNA position 662, A replaced by C.
Molecular consequence: intron variant.
Genome position (GRCh38, 1-based): chr11:108,244,121, A>C. VCF-style: chr11-108244121-A-C. GRCh37 (hg19) VCF-style: chr11-108114848-A-C.
Other names: c.662+3A>C (NM_001351834.2).
Identifiers: ClinVar variation 2861922 (VCV002861922.3), dbSNP rs2135227609, ClinGen allele CA2739270942.
Genomic context (GRCh38, chr11:108,244,121, plus strand): 5'-CTGACGGATTAAATTCCAAATTTTTGGACTTTTTTTCCAAGGCTATTCAGTGTGCGAGGT[A>C]ATCTAATCTCTTTTTCTTTTGTTTTGTATTGAAATACTTTTGATCTTGCAAGACCATGTT-3'

ClinVar aggregate classification (germline): Uncertain significance (1 of 4 stars; one submission).

Conditions:
Ataxia-telangiectasia syndrome (AT). Also called: AT, COMPLEMENTATION GROUP C; Ataxia telangiectasia (A-T); ATAXIA-TELANGIECTASIA, COMPLEMENTATION GROUP A; ATAXIA-TELANGIECTASIA, FRESNO VARIANT; Ataxia-telangiectasia, complementation group D; Ataxia-telangiectasia, complementation group E. Identifiers: Orphanet 100, MedGen C0004135, MONDO:0008840, OMIM 208900.

Submission:

Labcorp Genetics (formerly Invitae), Labcorp
Classification: Uncertain significance for Ataxia-telangiectasia syndrome. Last evaluated: 2023-05-04. Review status: criteria provided, single submitter. Criteria: Invitae Variant Classification Sherloc (09022015). Collection method: clinical testing. Allele origin: germline.
Comment: This sequence change falls in intron 6 of the ATM gene. It does not directly change the encoded amino acid sequence of the ATM protein. It affects a nucleotide within the consensus splice site. This variant is not present in population databases (gnomAD no frequency). This variant has not been reported in the literature in individuals affected with ATM-related conditions. Variants that disrupt the consensus splice site are a relatively common cause of aberrant splicing (PMID: 17576681, 9536098). Algorithms developed to predict the effect of sequence changes on RNA splicing suggest that this variant may disrupt the consensus splice site. In summary, the available evidence is currently insufficient to determine the role of this variant in disease. Therefore, it has been classified as a Variant of Uncertain Significance.

Literature cited by the submitters: PubMed 17576681; PubMed 9536098.